The following is an entry in ClinVar:

ClinVar aggregate classification (germline): Uncertain significance (1 of 4 stars; one submission).

Conditions:
Fanconi anemia complementation group J. Also called: BRIP1-Related Fanconi Anemia. Identifiers: Orphanet 84, MedGen C1836860, MONDO:0012187, OMIM 609054.
Familial cancer of breast. Also called: hereditary breast carcinoma; Hereditary breast cancer; BREAST CANCER, FAMILIAL. Identifiers: Orphanet 227535, MedGen C0346153, MONDO:0016419, OMIM 114480. Disease mechanism: loss of function.

Submission:

Labcorp Genetics (formerly Invitae), Labcorp
Classification: Uncertain significance for Familial cancer of breast; Fanconi anemia complementation group J. Last evaluated: 2021-02-01. Review status: criteria provided, single submitter. Criteria: Invitae Variant Classification Sherloc (09022015). Collection method: clinical testing. Allele origin: germline.
Comment: Algorithms developed to predict the effect of missense changes on protein structure and function are either unavailable or do not agree on the potential impact of this missense change (SIFT: "Deleterious"; PolyPhen-2: "Probably Damaging"; Align-GVGD: "Class C15"). In summary, the available evidence is currently insufficient to determine the role of this variant in disease. Therefore, it has been classified as a Variant of Uncertain Significance. This variant has not been reported in the literature in individuals with BRIP1-related conditions. This sequence change replaces arginine with proline at codon 865 of the BRIP1 protein (p.Arg865Pro). The arginine residue is highly conserved and there is a moderate physicochemical difference between arginine and proline. This variant is not present in population databases (ExAC no frequency).

NM_032043.3(BRIP1):c.2594G>C (p.Arg865Pro)

Gene: BRIP1 (BRCA1 interacting DNA helicase 1; minus strand). Cytogenetic location: 17q23.2.
Variant type: single nucleotide variant.
Coding change: c.2594G>C on transcript NM_032043.3 (MANE Select); coding-DNA position 2594, G replaced by C.
Protein change: p.Arg865Pro; replaces arginine 865 with proline.
Molecular consequence: missense variant.
Genome position (GRCh38, 1-based): chr17:61,686,147, C>G on the plus strand (G>C on the coding strand, the complement: BRIP1 is on the minus strand). VCF-style: chr17-61686147-C-G. GRCh37 (hg19) VCF-style: chr17-59763508-C-G.
Other names: short protein forms R865P.
Identifiers: ClinVar variation 1506288 (VCV001506288.9), dbSNP rs781609846, ClinGen allele CA400481982.